The following is an entry in ClinVar:

NM_016333.4(SRRM2):c.7604C>G (p.Ser2535Trp)

Gene: SRRM2 (serine/arginine repetitive matrix 2; plus strand). Cytogenetic location: 16p13.3.
Variant type: single nucleotide variant.
Coding change: c.7604C>G on transcript NM_016333.4 (MANE Select); coding-DNA position 7604, C replaced by G.
Protein change: p.Ser2535Trp; replaces serine 2535 with tryptophan.
Molecular consequence: missense variant.
Genome position (GRCh38, 1-based): chr16:2,768,132, C>G. VCF-style: chr16-2768132-C-G. GRCh37 (hg19) VCF-style: chr16-2818133-C-G.
Other names: short protein forms S2535W.
Identifiers: ClinVar variation 5009444 (VCV005009444.1).

ClinVar aggregate classification (germline): Uncertain significance (1 of 4 stars; one submission).

Submission:

GeneDx
Classification: Uncertain significance. Last evaluated: 2026-03-18. Review status: criteria provided, single submitter. Criteria: GeneDx Variant Classification Process June 2021. Collection method: clinical testing. Allele origin: germline.
Comment: Not observed at significant frequency in large population cohorts (gnomAD); In silico analysis suggests that this missense variant does not alter protein structure/function; Has not been previously published as pathogenic or benign to our knowledge